The following is an entry in ClinVar:

ClinVar aggregate classification (germline): Likely benign. Review status: criteria provided, multiple submitters, no conflicts (2 of 4 stars). 4 submissions from 4 submitters: Likely benign (4). Last evaluated 2026-01-31.

Conditions:
Cardiovascular phenotype. Identifiers: MedGen CN230736.

gnomAD v4.1: 40 of 1,550,298 alleles (0.0026%); highest among the groups gnomAD compares: Non-Finnish European, 0.0029%; no homozygotes.

Submissions (4):

Labcorp Genetics (formerly Invitae), Labcorp
Classification: Likely benign. Last evaluated: 2026-01-31. Review status: criteria provided, single submitter. Criteria: Invitae Variant Classification Sherloc (09022015). Collection method: clinical testing. Allele origin: germline.

Mayo Clinic Laboratories, Mayo Clinic
Classification: Likely benign. Last evaluated: 2025-08-18. Review status: criteria provided, single submitter. Criteria: ACMG Guidelines, 2015. Collection method: clinical testing. Allele origin: germline. Observed: 1 variant allele.
Comment: BP4, BP7, PM2_supporting

Women's Health and Genetics/Laboratory Corporation of America, LabCorp
Classification: Likely benign. Last evaluated: 2025-01-07. Review status: criteria provided, single submitter. Criteria: LabCorp Variant Classification Summary - May 2015. Collection method: clinical testing. Allele origin: germline.

Ambry Genetics
Classification: Likely benign for Cardiovascular phenotype. Last evaluated: 2019-11-03. Review status: criteria provided, single submitter. Criteria: Ambry Variant Classification Scheme 2023. Collection method: clinical testing. Allele origin: germline.

NM_001367624.2(ZNF469):c.10605C>A (p.Thr3535=)

Gene: ZNF469 (zinc finger protein 469; plus strand). Cytogenetic location: 16q24.2.
Variant type: single nucleotide variant.
Coding change: c.10605C>A on transcript NM_001367624.2 (MANE Select); coding-DNA position 10605, C replaced by A.
Protein change: p.Thr3535=; no amino-acid change (threonine 3535 retained).
Molecular consequence: synonymous variant.
Genome position (GRCh38, 1-based): chr16:88,438,075, C>A. VCF-style: chr16-88438075-C-A. GRCh37 (hg19) VCF-style: chr16-88504483-C-A.
Other names: NM_001127464.1:c.10521C>A; p.Thr3535=.
Identifiers: ClinVar variation 1671272 (VCV001671272.13), dbSNP rs375672779, ClinGen allele CA8225534.